The following is an entry in ClinVar:

ClinVar aggregate classification (germline): Likely pathogenic (1 of 4 stars; one submission).

Conditions:
Dilated cardiomyopathy 1G (CMD1G). Identifiers: Orphanet 154, MedGen C1858763, MONDO:0011400, OMIM 604145.
Autosomal recessive limb-girdle muscular dystrophy type 2J (LGMDR10). Also called: Limb-girdle muscular dystrophy, type 2J; MUSCULAR DYSTROPHY, LIMB-GIRDLE, AUTOSOMAL RECESSIVE 10. Identifiers: Orphanet 140922, MedGen C1837342, MONDO:0012127, OMIM 608807.

Submission:

Labcorp Genetics (formerly Invitae), Labcorp
Classification: Likely pathogenic for Dilated cardiomyopathy 1G; Autosomal recessive limb-girdle muscular dystrophy type 2J. Last evaluated: 2022-03-26. Review status: criteria provided, single submitter. Criteria: Invitae Variant Classification Sherloc (09022015). Collection method: clinical testing. Allele origin: germline.
Comment: In summary, the currently available evidence indicates that the variant is pathogenic, but additional data are needed to prove that conclusively. Therefore, this variant has been classified as Likely Pathogenic. This variant is located in the A band of TTN (PMID: 25589632). Truncating variants in this region are significantly overrepresented in patients affected with dilated cardiomyopathy (PMID: 25589632). Truncating variants in this region have also been reported in individuals affected with autosomal recessive centronuclear myopathy (PMID: 23975875). This sequence change creates a premature translational stop signal (p.Lys25299*) in the TTN gene. While this is not anticipated to result in nonsense mediated decay, it is expected to create a truncated TTN protein. This variant is not present in population databases (gnomAD no frequency). This variant has not been reported in the literature in individuals affected with TTN-related conditions.

Literature cited by the submitters: PubMed 25589632; PubMed 23975875.

NM_001267550.2(TTN):c.75895A>T (p.Lys25299Ter)

Genes: TTN (titin; minus strand), TTN-AS1 (TTN antisense RNA 1; plus strand). Cytogenetic location: 2q31.2.
Variant type: single nucleotide variant.
Coding change: c.75895A>T on transcript NM_001267550.2 (MANE Select); coding-DNA position 75895, A replaced by T.
Protein change: p.Lys25299Ter; replaces lysine 25299 with a stop codon.
Molecular consequence: nonsense.
Genome position (GRCh38, 1-based): chr2:178,570,237, T>A on the plus strand (A>T on the coding strand, the complement: TTN is on the minus strand). VCF-style: chr2-178570237-T-A. GRCh37 (hg19) VCF-style: chr2-179434964-T-A.
Other names: c.70972A>T, p.Lys23658Ter (NM_001256850.1); c.48700A>T, p.Lys16234Ter (NM_003319.4); c.68191A>T, p.Lys22731Ter (NM_133378.4); c.49075A>T, p.Lys16359Ter (NM_133432.3); c.49276A>T, p.Lys16426Ter (NM_133437.4); short protein forms K16359*, K16426*, K16234*, K23658*, K25299*, K22731*.
Identifiers: ClinVar variation 2044744 (VCV002044744.4), dbSNP rs2468442117, ClinGen allele CA349619188.